The following is an entry in ClinVar:

ClinVar aggregate classification (germline): Likely pathogenic. Review status: criteria provided, multiple submitters, no conflicts (2 of 4 stars). 3 submissions from 3 submitters: Likely pathogenic (3). Last evaluated 2023-03-07.

Conditions:
Cardiovascular phenotype. Identifiers: MedGen CN230736.
Autosomal recessive limb-girdle muscular dystrophy type 2J (LGMDR10). Also called: MUSCULAR DYSTROPHY, LIMB-GIRDLE, AUTOSOMAL RECESSIVE 10; Limb-girdle muscular dystrophy, type 2J. Identifiers: Orphanet 140922, MedGen C1837342, MONDO:0012127, OMIM 608807.
Dilated cardiomyopathy 1G (CMD1G). Identifiers: Orphanet 154, MedGen C1858763, MONDO:0011400, OMIM 604145.

Submissions (3):

Labcorp Genetics (formerly Invitae), Labcorp
Classification: Likely pathogenic for Dilated cardiomyopathy 1G; Autosomal recessive limb-girdle muscular dystrophy type 2J. Last evaluated: 2023-03-07. Review status: criteria provided, single submitter. Criteria: Invitae Variant Classification Sherloc (09022015). Collection method: clinical testing. Allele origin: germline.
Comment: This sequence change creates a premature translational stop signal (p.Ser28099Tyrfs*16) in the TTN gene. While this is not anticipated to result in nonsense mediated decay, it is expected to create a truncated TTN protein. This variant is not present in population databases (gnomAD no frequency). This variant has not been reported in the literature in individuals affected with TTN-related conditions. ClinVar contains an entry for this variant (Variation ID: 500222). This variant is located in the A band of TTN (PMID: 25589632). Truncating variants in this region are significantly overrepresented in patients affected with dilated cardiomyopathy (PMID: 25589632). Truncating variants in this region have also been reported in individuals affected with autosomal recessive centronuclear myopathy (PMID: 23975875). In summary, the currently available evidence indicates that the variant is pathogenic, but additional data are needed to prove that conclusively. Therefore, this variant has been classified as Likely Pathogenic.

Ambry Genetics
Classification: Likely pathogenic for Cardiovascular phenotype. Last evaluated: 2022-12-12. Review status: criteria provided, single submitter. Criteria: Ambry Variant Classification Scheme 2023. Collection method: clinical testing. Allele origin: germline.
Comment: The c.57101_57102delCT variant, located in coding exon 153 of the TTN gene, results from a deletion of two nucleotides at nucleotide positions 57101 to 57102, causing a translational frameshift with a predicted alternate stop codon (p.S19034Yfs*16). This exon is located in the A-band region of the N2-B isoform of the titin protein and is constitutively expressed in TTN transcripts (percent spliced in or PSI 100%). This variant is considered to be rare based on population cohorts in the Genome Aggregation Database (gnomAD). This alteration is expected to result in loss of function by premature protein truncation or nonsense-mediated mRNA decay. While truncating variants in TTN are present in 1-3% of the general population, truncating variants in the A-band are the most common cause of dilated cardiomyopathy (DCM) (Herman DS et al. N. Engl. J. Med., 2012 Feb;366:619-28; Roberts AM et al. Sci Transl Med, 2015 Jan;7:270ra6). TTN truncating variants encoded in constitutive exons (PSI >90%) have been found to be significantly associated with DCM regardless of their position in titin (Schafer S et al. Nat. Genet., 2017 01;49:46-53). Based on the majority of available evidence to date, this variant is likely to be pathogenic.

Eurofins Ntd Llc (ga)
Classification: Likely pathogenic. Last evaluated: 2017-01-31. Review status: criteria provided, single submitter. Criteria: EGL Classification Definitions 2015. Collection method: clinical testing. Allele origin: germline. Observed: 1 variant allele, 1 heterozygote.

Literature cited by the submitters: PubMed 25589632 (cited by Labcorp Genetics (formerly Invitae), Labcorp); PubMed 23975875 (cited by Labcorp Genetics (formerly Invitae), Labcorp).

NM_001267550.2(TTN):c.84296_84297del (p.Ser28099fs)

Genes: TTN (titin; minus strand), TTN-AS1 (TTN antisense RNA 1; plus strand). Cytogenetic location: 2q31.2.
Variant type: Microsatellite.
Coding change: c.84296_84297del on transcript NM_001267550.2 (MANE Select); coding-DNA positions 84296 to 84297, 2 bases deleted (CT; older notation c.84296_84297delCT).
Protein change: p.Ser28099fs; shifts the reading frame from serine 28099.
Molecular consequence: frameshift variant.
Genome position (GRCh38, 1-based): chr2:178,561,835-178,561,836, AG deleted on the plus strand (CT on the coding strand, the reverse complement: TTN is on the minus strand); deleting any 2 consecutive bases within chr2:178,561,835-178,561,838 gives the same sequence; the c. name uses the placement nearest the transcript's 3' end. VCF-style (leftmost placement, unchanged base first): chr2-178561834-TAG-T. GRCh37 (hg19) VCF-style: chr2-179426561-TAG-T.
Other names: c.79373_79374del, p.Ser26458fs (NM_001256850.1); c.57101_57102del, p.Ser19034fs (NM_003319.4); c.76592_76593del, p.Ser25531fs (NM_133378.4); c.57476_57477del, p.Ser19159fs (NM_133432.3); c.57677_57678del, p.Ser19226fs (NM_133437.4); c.57101_57102delCT (NM_003319.4); short protein forms S19159fs, S19226fs, S26458fs, S28099fs, S19034fs, S25531fs.
Identifiers: ClinVar variation 500222 (VCV000500222.10), dbSNP rs1553565463, ClinGen allele CA658796002.